The following is an entry in ClinVar:

NM_198999.3(SLC26A5):c.1270G>C (p.Val424Leu)

Gene: SLC26A5 (solute carrier family 26 member 5; minus strand). Cytogenetic location: 7q22.1.
Variant type: single nucleotide variant.
Coding change: c.1270G>C on transcript NM_198999.3 (MANE Select); coding-DNA position 1270, G replaced by C.
Protein change: p.Val424Leu; replaces valine 424 with leucine.
Molecular consequence: missense variant. On other transcripts: non-coding transcript variant (4), intron variant (1).
Genome position (GRCh38, 1-based): chr7:103,390,470, C>G on the plus strand (G>C on the coding strand, the complement: SLC26A5 is on the minus strand). VCF-style: chr7-103390470-C-G. GRCh37 (hg19) VCF-style: chr7-103030917-C-G.
Other names: c.1270G>C, p.Val424Leu (NM_001167962.2, NM_001321787.2, NM_206883.3 and 1 more transcripts); c.971+7462G>C (NM_206885.3); short protein forms V424L.
Identifiers: ClinVar variation 4990501 (VCV004990501.1).

ClinVar aggregate classification (germline): Uncertain significance (1 of 4 stars; one submission).

Conditions:
SLC26A5-related disorder. Also called: SLC26A5-related condition.

gnomAD v4.1: 14 of 1,614,020 alleles (0.00087%); highest among the groups gnomAD compares: African/African-American, 0.004%; no homozygotes.

Submission:

PreventionGenetics, part of Exact Sciences
Classification: Uncertain significance for SLC26A5-related condition. Last evaluated: 2025-09-30. Review status: criteria provided, single submitter. Criteria: ACMG Guidelines, 2015. Collection method: clinical testing. Allele origin: germline.
Comment: The SLC26A5 c.1270G>C variant is predicted to result in the amino acid substitution p.Val424Leu. To our knowledge, this variant has not been reported in the literature. This variant is reported in 0.012% of alleles in individuals of African descent in gnomAD. At this time, the clinical significance of this variant is uncertain due to the absence of conclusive functional and genetic evidence.